The following is an entry in ClinVar:

NM_001084.5(PLOD3):c.1943C>T (p.Ala648Val)

Gene: PLOD3 (procollagen-lysine,2-oxoglutarate 5-dioxygenase 3; minus strand). Cytogenetic location: 7q22.1.
Variant type: single nucleotide variant.
Coding change: c.1943C>T on transcript NM_001084.5 (MANE Select); coding-DNA position 1943, C replaced by T.
Protein change: p.Ala648Val; replaces alanine 648 with valine.
Molecular consequence: missense variant.
Genome position (GRCh38, 1-based): chr7:101,206,897, G>A on the plus strand (C>T on the coding strand, the complement: PLOD3 is on the minus strand). VCF-style: chr7-101206897-G-A. GRCh37 (hg19) VCF-style: chr7-100850178-G-A.
Other names: short protein forms A648V.
Identifiers: ClinVar variation 1405549 (VCV001405549.3), dbSNP rs779308242, ClinGen allele CA4407442.

ClinVar aggregate classification (germline): Uncertain significance (1 of 4 stars; one submission).

Allele frequency attached by ClinVar (database versions not stated): gnomAD 0.00002; gnomAD exomes 0.00002; TOPMed 0.00003.
gnomAD v4.1: 28 of 1,556,854 alleles (0.0018%); highest among the groups gnomAD compares: Middle Eastern, 0.033%; no homozygotes.

Submission:

Labcorp Genetics (formerly Invitae), Labcorp
Classification: Uncertain significance. Last evaluated: 2021-12-08. Review status: criteria provided, single submitter. Criteria: Invitae Variant Classification Sherloc (09022015). Collection method: clinical testing. Allele origin: germline.
Comment: This sequence change replaces alanine, which is neutral and non-polar, with valine, which is neutral and non-polar, at codon 648 of the PLOD3 protein (p.Ala648Val). This variant is present in population databases (rs779308242, gnomAD 0.02%). This variant has not been reported in the literature in individuals affected with PLOD3-related conditions. Algorithms developed to predict the effect of missense changes on protein structure and function are either unavailable or do not agree on the potential impact of this missense change (SIFT: "Deleterious"; PolyPhen-2: "Benign"; Align-GVGD: "Class C0"). In summary, the available evidence is currently insufficient to determine the role of this variant in disease. Therefore, it has been classified as a Variant of Uncertain Significance.